The following is an entry in ClinVar:

ClinVar aggregate classification (germline): Uncertain significance (1 of 4 stars; one submission).

Conditions:
Bloom syndrome (BLM). Also called: Bloom-Torre-Machacek syndrome. Identifiers: Orphanet 125, MedGen C0005859, MONDO:0008876, OMIM 210900.

Submission:

Labcorp Genetics (formerly Invitae), Labcorp
Classification: Uncertain significance for Bloom syndrome. Last evaluated: 2023-09-03. Review status: criteria provided, single submitter. Criteria: Invitae Variant Classification Sherloc (09022015). Collection method: clinical testing. Allele origin: germline.
Comment: In summary, the available evidence is currently insufficient to determine the role of this variant in disease. Therefore, it has been classified as a Variant of Uncertain Significance. Advanced modeling of protein sequence and biophysical properties (such as structural, functional, and spatial information, amino acid conservation, physicochemical variation, residue mobility, and thermodynamic stability) performed at Invitae indicates that this missense variant is not expected to disrupt BLM protein function. ClinVar contains an entry for this variant (Variation ID: 1512972). This variant has not been reported in the literature in individuals affected with BLM-related conditions. This variant is not present in population databases (gnomAD no frequency). This sequence change replaces proline, which is neutral and non-polar, with arginine, which is basic and polar, at codon 822 of the BLM protein (p.Pro822Arg).

NM_000057.4(BLM):c.2465C>G (p.Pro822Arg)

Gene: BLM (BLM RecQ like helicase; plus strand). Cytogenetic location: 15q26.1.
Variant type: single nucleotide variant.
Coding change: c.2465C>G on transcript NM_000057.4 (MANE Select); coding-DNA position 2465, C replaced by G.
Protein change: p.Pro822Arg; replaces proline 822 with arginine.
Molecular consequence: missense variant.
Genome position (GRCh38, 1-based): chr15:90,769,496, C>G. VCF-style: chr15-90769496-C-G. GRCh37 (hg19) VCF-style: chr15-91312726-C-G.
Other names: c.2465C>G, p.Pro822Arg (NM_001287246.2, NM_001287247.2); c.1340C>G, p.Pro447Arg (NM_001287248.2); short protein forms P447R, P822R.
Identifiers: ClinVar variation 1512972 (VCV001512972.8), dbSNP rs2151166181, ClinGen allele CA393845386.